The following is an entry in ClinVar:

NM_001252024.2(TRPM1):c.986G>A (p.Arg329Lys)

Gene: TRPM1 (transient receptor potential cation channel subfamily M member 1; minus strand). Cytogenetic location: 15q13.3.
Variant type: single nucleotide variant.
Coding change: c.986G>A on transcript NM_001252024.2 (MANE Select); coding-DNA position 986, G replaced by A.
Protein change: p.Arg329Lys; replaces arginine 329 with lysine.
Molecular consequence: missense variant.
Genome position (GRCh38, 1-based): chr15:31,062,682, C>T on the plus strand (G>A on the coding strand, the complement: TRPM1 is on the minus strand). VCF-style: chr15-31062682-C-T. GRCh37 (hg19) VCF-style: chr15-31354885-C-T.
Other names: c.1037G>A, p.Arg346Lys (NM_001252020.2); c.920G>A, p.Arg307Lys (NM_002420.6); c.920G>A (NM_002420.4); short protein forms R307K, R329K, R346K.
Identifiers: ClinVar variation 1372314 (VCV001372314.7), dbSNP rs2140956075, ClinGen allele CA391526059.

ClinVar aggregate classification (germline): Uncertain significance. Review status: criteria provided, multiple submitters, no conflicts (2 of 4 stars). 2 submissions from 2 submitters: Uncertain significance (2). Last evaluated 2024-11-11.

Conditions:
Inborn genetic diseases. Identifiers: MedGen C0950123, MeSH D030342.

Allele frequency attached by ClinVar (database versions not stated): gnomAD exomes below 0.00001.
gnomAD v4.1: 1 of 1,614,082 alleles (0.000062%); highest among the groups gnomAD compares: Non-Finnish European, 0.000085%; no homozygotes.

Submissions (2):

Labcorp Genetics (formerly Invitae), Labcorp
Classification: Uncertain significance. Last evaluated: 2024-11-11. Review status: criteria provided, single submitter. Criteria: Invitae Variant Classification Sherloc (09022015). Collection method: clinical testing. Allele origin: germline.
Comment: This sequence change replaces arginine, which is basic and polar, with lysine, which is basic and polar, at codon 307 of the TRPM1 protein (p.Arg307Lys). This variant is not present in population databases (gnomAD no frequency). This variant has not been reported in the literature in individuals affected with TRPM1-related conditions. ClinVar contains an entry for this variant (Variation ID: 1372314). Invitae Evidence Modeling of protein sequence and biophysical properties (such as structural, functional, and spatial information, amino acid conservation, physicochemical variation, residue mobility, and thermodynamic stability) indicates that this missense variant is not expected to disrupt TRPM1 protein function with a negative predictive value of 95%. In summary, the available evidence is currently insufficient to determine the role of this variant in disease. Therefore, it has been classified as a Variant of Uncertain Significance.

Ambry Genetics
Classification: Uncertain significance for Inborn genetic diseases. Last evaluated: 2024-02-28. Review status: criteria provided, single submitter. Criteria: Ambry Variant Classification Scheme 2023. Collection method: clinical testing. Allele origin: germline.